The following is an entry in ClinVar:

NM_015570.4(AUTS2):c.2664C>T (p.Asp888=)

Gene: AUTS2 (activator of transcription and developmental regulator AUTS2; plus strand). Cytogenetic location: 7q11.22.
Variant type: single nucleotide variant.
Coding change: c.2664C>T on transcript NM_015570.4 (MANE Select); coding-DNA position 2664, C replaced by T.
Protein change: p.Asp888=; no amino-acid change (aspartic acid 888 retained).
Molecular consequence: synonymous variant.
Genome position (GRCh38, 1-based): chr7:70,789,880, C>T. VCF-style: chr7-70789880-C-T. GRCh37 (hg19) VCF-style: chr7-70254866-C-T.
Other names: c.2592C>T, p.Asp864= (NM_001127231.3).
Identifiers: ClinVar variation 703097 (VCV000703097.14), dbSNP rs146682239, ClinGen allele CA4281145.
Genomic context (GRCh38, chr7:70,789,880, plus strand): 5'-TACCCGCAGCTCCACTGAACAGATCCGGGCTCATCTGAACACTGAGGCTCGGGAGAAGGA[C>T]AAACCCAAAGAGAGGGAGAGAGACCACTCGGAATCCCGCAAGGACCTGGCCGCCGACGAG-3'
Protein context (NP_056385.1, residues 878-898): AHLNTEAREK[Asp888=]KPKERERDHS

ClinVar aggregate classification (germline): Benign/Likely benign. Review status: criteria provided, multiple submitters, no conflicts (2 of 4 stars). 3 submissions from 3 submitters: Benign (1); Likely benign (1). 1 of the submissions does not count toward it. Last evaluated 2025-11-17.

Conditions:
AUTS2-related disorder. Also called: AUTS2-related condition.

Allele frequency attached by ClinVar (database versions not stated): gnomAD 0.00062; TOPMed 0.00129; 1000 Genomes Project 30x 0.00281; 1000 Genomes Project 0.00319.
gnomAD v4.1: 910 of 1,614,116 alleles (0.056%); highest among the groups gnomAD compares: East Asian, 1.6%; 9 homozygotes.

Submissions (3):

Labcorp Genetics (formerly Invitae), Labcorp
Classification: Benign. Last evaluated: 2025-11-17. Review status: criteria provided, single submitter. Criteria: Invitae Variant Classification Sherloc (09022015). Collection method: clinical testing. Allele origin: germline.

GeneDx
Classification: Likely benign. Last evaluated: 2021-04-03. Review status: criteria provided, single submitter. Criteria: GeneDx Variant Classification Process June 2021. Collection method: clinical testing. Allele origin: germline. Affected: yes.

PreventionGenetics, part of Exact Sciences
Classification: Likely benign for AUTS2-related condition. Last evaluated: 2020-02-21. Review status: no assertion criteria provided. Collection method: clinical testing. Allele origin: germline. Not counted in ClinVar's aggregate classification.
Comment: This variant is classified as likely benign based on ACMG/AMP sequence variant interpretation guidelines (Richards et al. 2015 PMID: 25741868, with internal and published modifications).